The following is an entry in ClinVar:

NM_020982.4(CLDN9):c.241C>T (p.Arg81Cys)

Gene: CLDN9 (claudin 9; plus strand). Cytogenetic location: 16p13.3.
Variant type: single nucleotide variant.
Coding change: c.241C>T on transcript NM_020982.4 (MANE Select); coding-DNA position 241, C replaced by T.
Protein change: p.Arg81Cys; replaces arginine 81 with cysteine.
Molecular consequence: missense variant.
Genome position (GRCh38, 1-based): chr16:3,013,603, C>T. VCF-style: chr16-3013603-C-T. GRCh37 (hg19) VCF-style: chr16-3063604-C-T.
Other names: c.241C>T (NM_020982.3); short protein forms R81C.
Identifiers: ClinVar variation 2570928 (VCV002570928.28), dbSNP rs375644575, ClinGen allele CA7854010.
Genomic context (GRCh38, chr16:3,013,603, plus strand): 5'-CAGATGCAGTGCAAGGTGTACGACTCACTGCTGGCTCTGCCGCAGGACCTGCAGGCCGCA[C>T]GTGCCCTCTGTGTCATTGCCCTCCTGCTGGCCCTGCTTGGCCTCCTGGTGGCCATCACAG-3'
Protein context (NP_066192.1, residues 71-91): LALPQDLQAA[Arg81Cys]ALCVIALLLA

ClinVar aggregate classification (germline): Uncertain significance. Review status: criteria provided, multiple submitters, no conflicts (2 of 4 stars). 2 submissions from 2 submitters: Uncertain significance (2). Last evaluated 2026-09-21.

Conditions:
CLDN9-related disorder. Also called: CLDN9-related condition.

Allele frequency attached by ClinVar (database versions not stated): ESP Exome Variant Server 0.00008.
gnomAD v4.1: 13 of 1,613,876 alleles (0.00081%); highest among the groups gnomAD compares: African/African-American, 0.0053%; no homozygotes.

Submissions (2):

PreventionGenetics, part of Exact Sciences
Classification: Uncertain significance for CLDN9-related condition. Last evaluated: 2026-09-21. Review status: criteria provided, single submitter. Criteria: ACMG Guidelines, 2015. Collection method: clinical testing. Allele origin: germline.
Comment: The CLDN9 c.241C>T variant is predicted to result in the amino acid substitution p.Arg81Cys. To our knowledge, this variant has not been reported in the literature. This variant is reported in 0.0040% of alleles in individuals of African descent in gnomAD. At this time, the clinical significance of this variant is uncertain due to the absence of conclusive functional and genetic evidence.

CeGaT Center for Human Genetics Tuebingen
Classification: Uncertain significance. Last evaluated: 2023-05-01. Review status: criteria provided, single submitter. Criteria: CeGaT Center For Human Genetics Tuebingen Variant Classification Criteria Version 2. Collection method: clinical testing. Allele origin: germline. Affected: yes. Observed: 1 variant allele.
Comment: CLDN9: PM2:Supporting, PP3